The following is an entry in ClinVar:

NM_001008212.2(OPTN):c.125A>C (p.Gln42Pro)

Genes: OPTN (optineurin; plus strand), LOC108903148 (10p13 OPTN distal Alu-mediated recombination region; plus strand). Cytogenetic location: 10p13.
Variant type: single nucleotide variant.
Coding change: c.125A>C on transcript NM_001008212.2 (MANE Select); coding-DNA position 125, A replaced by C.
Protein change: p.Gln42Pro; replaces glutamine 42 with proline.
Molecular consequence: missense variant.
Genome position (GRCh38, 1-based): chr10:13,109,247, A>C. VCF-style: chr10-13109247-A-C. GRCh37 (hg19) VCF-style: chr10-13151247-A-C.
Other names: c.125A>C, p.Gln42Pro (NM_001008211.1, NM_001008213.1, NM_021980.4); short protein forms Q42P.
Identifiers: ClinVar variation 3750398 (VCV003750398.2).

ClinVar aggregate classification (germline): Uncertain significance (1 of 4 stars; one submission).

Conditions:
Glaucoma 1, open angle, E. Identifiers: MedGen C1842026, MONDO:0007665.
Primary open angle glaucoma (POAG). Also called: OPTN-related open angle glaucoma. Identifiers: MedGen C0339573, MONDO:0100553, OMIM 137760.
Amyotrophic lateral sclerosis type 12 (ALS12). Also called: AMYOTROPHIC LATERAL SCLEROSIS 12 WITH OR WITHOUT FRONTOTEMPORAL DEMENTIA. Identifiers: Orphanet 803, MedGen C3150692, MONDO:0013264, OMIM 613435.

gnomAD v4.1: 5 of 1,613,918 alleles (0.00031%); highest among the groups gnomAD compares: Non-Finnish European, 0.00042%; no homozygotes.

Submission:

Labcorp Genetics (formerly Invitae), Labcorp
Classification: Uncertain significance for Primary open angle glaucoma; Glaucoma 1, open angle, E; Amyotrophic lateral sclerosis type 12. Last evaluated: 2025-04-13. Review status: criteria provided, single submitter. Criteria: Invitae Variant Classification Sherloc (09022015). Collection method: clinical testing. Allele origin: germline.
Comment: This sequence change replaces glutamine, which is neutral and polar, with proline, which is neutral and non-polar, at codon 42 of the OPTN protein (p.Gln42Pro). This variant is not present in population databases (gnomAD no frequency). This variant has not been reported in the literature in individuals affected with OPTN-related conditions. ClinVar contains an entry for this variant (Variation ID: 3750398). Invitae Evidence Modeling of protein sequence and biophysical properties (such as structural, functional, and spatial information, amino acid conservation, physicochemical variation, residue mobility, and thermodynamic stability) has been performed for this missense variant. However, the output from this modeling did not meet the statistical confidence thresholds required to predict the impact of this variant on OPTN protein function. In summary, the available evidence is currently insufficient to determine the role of this variant in disease. Therefore, it has been classified as a Variant of Uncertain Significance.